The following is an entry in ClinVar:

NM_001303256.3(MORC2):c.480C>A (p.Asp160Glu)

Gene: MORC2 (MORC family CW-type zinc finger 2; minus strand). Cytogenetic location: 22q12.2.
Variant type: single nucleotide variant.
Coding change: c.480C>A on transcript NM_001303256.3 (MANE Select); coding-DNA position 480, C replaced by A.
Protein change: p.Asp160Glu; replaces aspartic acid 160 with glutamic acid.
Molecular consequence: missense variant.
Genome position (GRCh38, 1-based): chr22:30,942,218, G>T on the plus strand (C>A on the coding strand, the complement: MORC2 is on the minus strand). VCF-style: chr22-30942218-G-T. GRCh37 (hg19) VCF-style: chr22-31338205-G-T.
Other names: c.480C>A, p.Asp160Glu (NM_001303257.2); c.294C>A, p.Asp98Glu (NM_014941.3); short protein forms D160E, D98E.
Identifiers: ClinVar variation 2856587 (VCV002856587.3), dbSNP rs771133022, ClinGen allele CA10187236.
Genomic context (GRCh38, chr22:30,942,218, plus strand): 5'-AGTGCGGAATGGAGAGTACTTATAGATGAGTTCTGTCTCAATGGCAAATTTCTCTACATT[G>T]TCTGTGACAGGTTCCCGGGTCCGAGCATTCCAGGTGGGCAGTGGGACTATCACCTGTGGA-3'
Protein context (NP_001290185.1, residues 150-170): WNARTREPVT[Asp160Glu]NVEKFAIETE

ClinVar aggregate classification (germline): Uncertain significance (1 of 4 stars; one submission).

Conditions:
Charcot-Marie-Tooth disease axonal type 2Z. Also called: CHARCOT-MARIE-TOOTH DISEASE, AXONAL, AUTOSOMAL DOMINANT, TYPE 2Z; CHARCOT-MARIE-TOOTH NEUROPATHY, TYPE 2Z. Identifiers: Orphanet 466768, MedGen C5569025, MONDO:0014736, OMIM 616688.

Allele frequency attached by ClinVar (database versions not stated): TOPMed below 0.00001; ExAC 0.00001; gnomAD exomes 0.00001.

Submission:

Labcorp Genetics (formerly Invitae), Labcorp
Classification: Uncertain significance for Charcot-Marie-Tooth disease axonal type 2Z. Last evaluated: 2024-10-08. Review status: criteria provided, single submitter. Criteria: Invitae Variant Classification Sherloc (09022015). Collection method: clinical testing. Allele origin: germline.
Comment: This sequence change replaces aspartic acid, which is acidic and polar, with glutamic acid, which is acidic and polar, at codon 160 of the MORC2 protein (p.Asp160Glu). This variant is present in population databases (rs771133022, gnomAD 0.01%). This variant has not been reported in the literature in individuals affected with MORC2-related conditions. Invitae Evidence Modeling of protein sequence and biophysical properties (such as structural, functional, and spatial information, amino acid conservation, physicochemical variation, residue mobility, and thermodynamic stability) indicates that this missense variant is not expected to disrupt MORC2 protein function with a negative predictive value of 95%. In summary, the available evidence is currently insufficient to determine the role of this variant in disease. Therefore, it has been classified as a Variant of Uncertain Significance.